The following is an entry in ClinVar:

ClinVar aggregate classification (germline): Uncertain significance (1 of 4 stars; one submission).

Conditions:
Cardiovascular phenotype. Identifiers: MedGen CN230736.

Allele frequency attached by ClinVar (database versions not stated): gnomAD exomes below 0.00001.

Submission:

Ambry Genetics
Classification: Uncertain significance for Cardiovascular phenotype. Last evaluated: 2017-12-16. Review status: criteria provided, single submitter. Criteria: Ambry Variant Classification Scheme 2023. Collection method: clinical testing. Allele origin: germline.
Comment: The p.R164S variant (also known as c.490C>A), located in coding exon 1 of the DES gene, results from a C to A substitution at nucleotide position 490. The arginine at codon 164 is replaced by serine, an amino acid with dissimilar properties. This amino acid position is well conserved in available vertebrate species. In addition, the in silico prediction for this alteration is inconclusive. Since supporting evidence is limited at this time, the clinical significance of this alteration remains unclear.

NM_001927.4(DES):c.490C>A (p.Arg164Ser)

Gene: DES (desmin; plus strand). Cytogenetic location: 2q35.
Variant type: single nucleotide variant.
Coding change: c.490C>A on transcript NM_001927.4 (MANE Select); coding-DNA position 490, C replaced by A.
Protein change: p.Arg164Ser; replaces arginine 164 with serine.
Molecular consequence: missense variant.
Genome position (GRCh38, 1-based): chr2:219,418,952, C>A. VCF-style: chr2-219418952-C-A. GRCh37 (hg19) VCF-style: chr2-220283674-C-A.
Other names: c.490C>A, p.Arg164Ser (NM_001382708.1, NM_001382709.1, NM_001382710.1 and 3 more transcripts); short protein forms R164S.
Identifiers: ClinVar variation 1744026 (VCV001744026.2), dbSNP rs2545248085, ClinGen allele CA350686616.